The following is an entry in ClinVar:

NM_001003694.2(BRPF1):c.1218C>G (p.Tyr406Ter)

Gene: BRPF1 (bromodomain and PHD finger containing 1; plus strand). Cytogenetic location: 3p25.3.
Variant type: single nucleotide variant.
Coding change: c.1218C>G on transcript NM_001003694.2 (MANE Select); coding-DNA position 1218, C replaced by G.
Protein change: p.Tyr406Ter; replaces tyrosine 406 with a stop codon.
Molecular consequence: nonsense. On other transcripts: non-coding transcript variant (1).
Genome position (GRCh38, 1-based): chr3:9,739,617, C>G. VCF-style: chr3-9739617-C-G. GRCh37 (hg19) VCF-style: chr3-9781301-C-G.
Other names: c.1218C>G, p.Tyr406Ter (NM_001319049.2, NM_001319050.2, NM_004634.3); short protein forms Y406*.
Identifiers: ClinVar variation 489378 (VCV000489378.2), dbSNP rs1553695222, ClinGen allele CA351687486.
Genomic context (GRCh38, chr3:9,739,617, plus strand): 5'-CTACATTTGCAAACAACGGGGCTCAGGGGCCTGCATCCAGTGCCACAAGGCCAACTGTTA[C>G]ACAGCTTTCCATGTGACATGCGCCCAGCAGGCTGGCCTTTACATGAAGATGGAGCCTGTG-3'

ClinVar aggregate classification (germline): Pathogenic (1 of 4 stars; one submission).

Submission:

GeneDx
Classification: Pathogenic. Last evaluated: 2018-01-26. Review status: criteria provided, single submitter. Criteria: GeneDx Variant Classification (06012015). Collection method: clinical testing. Allele origin: germline. Affected: yes.
Comment: The Y406X variant in the BRPF1 gene has not been reported previously as a pathogenic variant nor as a benign variant, to our knowledge. This variant is predicted to cause loss of normal protein function either through protein truncation or nonsense-mediated mRNA decay. The Y406X variant is not observed in large population cohorts (Lek et al., 2016). We interpret Y406X as a pathogenic variant.